The following is an entry in ClinVar:

ClinVar aggregate classification (germline): Uncertain significance. Review status: criteria provided, multiple submitters, no conflicts (2 of 4 stars). 2 submissions from 2 submitters: Uncertain significance (2). Last evaluated 2024-03-23.

Conditions:
Leukodystrophy, hypomyelinating, 9. Identifiers: Orphanet 438114, MedGen C4015323, MONDO:0014506, OMIM 616140.

Submissions (2):

Baylor Genetics
Classification: Uncertain significance for Leukodystrophy, hypomyelinating, 9. Last evaluated: 2024-03-23. Review status: criteria provided, single submitter. Criteria: ACMG Guidelines, 2015. Collection method: clinical testing. Allele origin: unknown.

GeneDx
Classification: Uncertain significance. Last evaluated: 2023-08-15. Review status: criteria provided, single submitter. Criteria: GeneDx Variant Classification Process June 2021. Collection method: clinical testing. Allele origin: germline. Affected: yes.
Comment: Not observed at significant frequency in large population cohorts (gnomAD); In silico analysis supports a deleterious effect on protein structure/function; Has not been previously published as pathogenic or benign to our knowledge

NM_002887.4(RARS1):c.227TTA[1] (p.Ile77del)

Gene: RARS1 (arginyl-tRNA synthetase 1; plus strand). Cytogenetic location: 5q34.
Variant type: Microsatellite.
Coding change: c.227TTA[1] on transcript NM_002887.4 (MANE Select); one copy of the 3-base unit TTA starting at c.227; the reference has two copies in a row; one copy, 3 bases deleted; also written c.230_232del.
Protein change: p.Ile77del; deletes isoleucine 77.
Molecular consequence: inframe deletion.
Genome position (GRCh38, 1-based): chr5:168,492,708-168,492,710, TTA deleted; deleting any 3 consecutive bases within chr5:168,492,704-168,492,710 gives the same sequence; the position shown is the placement nearest the transcript's 3' end. VCF-style (leftmost placement, unchanged base first): chr5-168492703-CATT-C. GRCh37 (hg19) VCF-style: chr5-167919708-CATT-C.
Other names: c.230_232del (NM_002887.4); short protein forms I77del.
Identifiers: ClinVar variation 2576788 (VCV002576788.2), dbSNP rs2533362061, ClinGen allele CA2580614793.
Genomic context (GRCh38, chr5:168,492,703, plus strand): 5'-CATTCTTTTCCTACAGAGTCTTCAGGCAGAAAGGAACAAACCAACTAAAAATATGATTAA[CATT>C]ATTAGCCGCCTACAAGAGGTCTTTGGTCATGCAATTAAGGCTGCATATCCAGATTTGGAA-3'